The following is an entry in ClinVar:

ClinVar aggregate classification (germline): Conflicting classifications of pathogenicity. Review status: criteria provided, conflicting classifications (1 of 4 stars). 7 submissions from 7 submitters: Uncertain significance (2); Likely benign (5). Last evaluated 2026-02-01.

Conditions:
Familial thoracic aortic aneurysm and aortic dissection (TAAD). Also called: Thoracic aortic aneurysms and dissections. Identifiers: Orphanet 91387, MedGen C4707243, MONDO:0019625.
Connective tissue disorder. Also called: Connective tissue disease. Identifiers: MedGen C0009782, MONDO:0003900.
Congenital contractural arachnodactyly (CCA). Also called: BEALS SYNDROME; Beals-Hecht syndrome; Arthrogryposis, distal, type 9. Identifiers: Orphanet 115, MedGen C0220668, MONDO:0007363, OMIM 121050.

Allele frequency attached by ClinVar (database versions not stated): gnomAD exomes 0.00012 and 0.00019; gnomAD 0.00014 and 0.00015; TOPMed 0.00014; 1000 Genomes Project 30x 0.00016; ExAC 0.00019; 1000 Genomes Project 0.00020; ESP Exome Variant Server 0.00023.
gnomAD v4.1: 203 of 1,613,980 alleles (0.013%); highest among the groups gnomAD compares: South Asian, 0.057%; 1 homozygote.

Submissions (7):

CeGaT Center for Human Genetics Tuebingen
Classification: Likely benign. Last evaluated: 2026-02-01. Review status: criteria provided, single submitter. Criteria: CeGaT Center For Human Genetics Tuebingen Variant Classification Criteria Version 2. Collection method: clinical testing. Allele origin: germline. Affected: yes. Observed: 1 variant allele.
Comment: FBN2: BS1

Labcorp Genetics (formerly Invitae), Labcorp
Classification: Likely benign for Congenital contractural arachnodactyly. Last evaluated: 2026-01-30. Review status: criteria provided, single submitter. Criteria: Invitae Variant Classification Sherloc (09022015). Collection method: clinical testing. Allele origin: germline.

Laboratory of Genetics, Children's Clinical University Hospital Latvia
Classification: Likely benign. Last evaluated: 2025-02-16. Review status: criteria provided, single submitter. Criteria: ACMG Guidelines, 2015. Collection method: clinical testing. Allele origin: germline. Affected: yes.

Ambry Genetics
Classification: Likely benign for Familial thoracic aortic aneurysm and aortic dissection. Last evaluated: 2020-11-30. Review status: criteria provided, single submitter. Criteria: Ambry Variant Classification Scheme 2023. Collection method: clinical testing. Allele origin: germline.

Genome Diagnostics Laboratory, The Hospital for Sick Children
Classification: Uncertain significance for Connective tissue disorder. Last evaluated: 2019-03-01. Review status: criteria provided, single submitter. Criteria: ACMG Guidelines, 2015. Collection method: clinical testing. Allele origin: germline.

Illumina Laboratory Services, Illumina
Classification: Likely benign for Congenital contractural arachnodactyly. Last evaluated: 2018-01-12. Review status: criteria provided, single submitter. Criteria: ICSL Variant Classification Criteria 13 December 2019. Collection method: clinical testing. Allele origin: germline.
Comment: This variant was observed in the ICSL laboratory as part of a predisposition screen in an ostensibly healthy population. It had not been previously curated by ICSL or reported in the Human Gene Mutation Database (HGMD: prior to June 1st, 2018), and was therefore a candidate for classification through an automated scoring system. Utilizing variant allele frequency, disease prevalence and penetrance estimates, and inheritance mode, an automated score was calculated to assess if this variant is too frequent to cause the disease. Based on the score and internal cut-off values, a variant classified as likely benign is not then subjected to further curation. The score for this variant resulted in a classification of likely benign for this disease.

GeneDx
Classification: Uncertain significance. Last evaluated: 2017-01-05. Review status: criteria provided, single submitter. Criteria: GeneDx Variant Classification (06012015). Collection method: clinical testing. Allele origin: germline. Affected: yes.
Comment: The V1548I variant of uncertain significance in the FBN2 gene has not been published as a pathogenic variant or beenreported as a benign variant to our knowledge. This variant has been identified in multiple unrelated individualsreferred for Marfan/TAAD genetic testing at GeneDx, although segregation data from these individuals is not sufficientto determine the pathogenicity of this variant. While it was not observed with any significant frequency in individualsof European and African American ancestry in the NHLBI Exome Sequencing Project, the 1000 Genomes Project andthe Exome Aggregation Consortium report that the V1548I variant was observed in approximately 0.1% of allelesfrom individuals of South Asian background, indicating it may be a rare benign variant in this population. Thissubstitution occurs at a position that is conserved by class; however, I1548 is tolerated in at least one species. TheV1548I variant is a conservative amino acid substitution, which is not likely to impact secondary protein structure asthese residues share similar properties. Consequently, in silico analysis is inconsistent in its predictions as to whetheror not the variant is damaging to the protein structure/function. Finally, the V1548I variant does not affect a Cysteineresidue within a calcium-binding EGF-like domain of the FBN2 gene. Cysteine substitutions in the calcium-bindingEGF-like domains represent the majority of pathogenic missense changes associated with congenital arachnodactyly(Collod-Beroud et al., 2003; FrÃ©dÃ©ric et al., 2009).Therefore, based on the currently available information, it is unclear whether this variant is pathogenic or benign.

NM_001999.4(FBN2):c.4642G>A (p.Val1548Ile)

Gene: FBN2 (fibrillin 2; minus strand). Cytogenetic location: 5q23.3.
Variant type: single nucleotide variant.
Coding change: c.4642G>A on transcript NM_001999.4 (MANE Select); coding-DNA position 4642, G replaced by A.
Protein change: p.Val1548Ile; replaces valine 1548 with isoleucine.
Molecular consequence: missense variant.
Genome position (GRCh38, 1-based): chr5:128,318,224, C>T on the plus strand (G>A on the coding strand, the complement: FBN2 is on the minus strand). VCF-style: chr5-128318224-C-T. GRCh37 (hg19) VCF-style: chr5-127653916-C-T.
Other names: short protein forms V1548I.
Identifiers: ClinVar variation 213331 (VCV000213331.29), dbSNP rs140313460, ClinGen allele CA323806.